The following is an entry in ClinVar:

ClinVar aggregate classification (germline): Uncertain significance. Review status: criteria provided, multiple submitters, no conflicts (2 of 4 stars). 4 submissions from 4 submitters: Uncertain significance (4). Last evaluated 2025-12-17.

Conditions:
Fanconi anemia (FA). Also called: Fanconi's anemia. Identifiers: Orphanet 84, MedGen C0015625, MeSH D005199, MONDO:0019391.
Spermatogenic failure 28. Identifiers: MedGen C4748117, MONDO:0054732, OMIM 618086.
Premature ovarian failure 15. Identifiers: MedGen C4748170, MONDO:0054862, OMIM 618096.
Hereditary cancer-predisposing syndrome. Also called: Tumor predisposition; Hereditary neoplastic syndrome; Neoplastic Syndromes, Hereditary; Hereditary Cancer Syndrome. Identifiers: Orphanet 140162, MedGen C0027672, MeSH D009386, MONDO:0015356.

Allele frequency attached by ClinVar (database versions not stated): gnomAD exomes below 0.00001 and 0.00001; TOPMed 0.00002; gnomAD 0.00003.
gnomAD v4.1: 14 of 1,613,724 alleles (0.00087%); highest among the groups gnomAD compares: African/African-American, 0.0027%; no homozygotes.

Submissions (4):

Labcorp Genetics (formerly Invitae), Labcorp
Classification: Uncertain significance for Fanconi anemia. Last evaluated: 2025-12-17. Review status: criteria provided, single submitter. Criteria: Invitae Variant Classification Sherloc (09022015). Collection method: clinical testing. Allele origin: germline.
Comment: This sequence change replaces cysteine, which is neutral and slightly polar, with tryptophan, which is neutral and slightly polar, at codon 1624 of the FANCM protein (p.Cys1624Trp). This variant is present in population databases (no rsID available, gnomAD 0.0009%). This variant has not been reported in the literature in individuals affected with FANCM-related conditions. ClinVar contains an entry for this variant (Variation ID: 861949). An algorithm developed to predict the effect of missense changes on protein structure and function (PolyPhen-2) suggests that this variant is likely to be disruptive. In summary, the available evidence is currently insufficient to determine the role of this variant in disease. Therefore, it has been classified as a Variant of Uncertain Significance.

Fulgent Genetics
Classification: Uncertain significance for Spermatogenic failure 28; Premature ovarian failure 15. Last evaluated: 2022-04-15. Review status: criteria provided, single submitter. Criteria: ACMG Guidelines, 2015. Collection method: clinical testing. Allele origin: unknown.

Sema4
Classification: Uncertain significance for Hereditary cancer-predisposing syndrome. Last evaluated: 2022-02-10. Review status: criteria provided, single submitter. Criteria: Sema4 Curation Guidelines. Collection method: curation. Allele origin: germline.
Comment: The FANCM c.4872T>G (p.C1624W) has been reported in a large breast cancer case control study, in 2/60466 breast cancer cases and in 1/53461 controls (PMID: 33471991). This variant was observed in 1/113544 chromosomes in the Non-Finnish European population, according to the Genome Aggregation Database (PMID: 32461654). The variant has been reported in ClinVar (Variation ID: 861949). Functional studies have not been performed, and in silico predictions of the variant's effect on protein function are inconclusive. The evidence is insufficient to meet ACMG/AMP criteria for classifying the variant as benign or pathogenic. Thus, the clinical significance of this variant is currently uncertain.

GeneDx
Classification: Uncertain significance. Last evaluated: 2020-02-11. Review status: criteria provided, single submitter. Criteria: GeneDx Variant Classification Process June 2021. Collection method: clinical testing. Allele origin: germline. Affected: yes.
Comment: Not observed at a significant frequency in large population cohorts (Lek 2016); In silico analysis supports that this missense variant has a deleterious effect on protein structure/function; Observed in a control but no cases in an ovarian cancer case-control study (Dicks 2017); This variant is associated with the following publications: (PMID: 28881617)

Literature cited by the submitters: PubMed 33471991 (cited by Sema4).

NM_020937.4(FANCM):c.4872T>G (p.Cys1624Trp)

Gene: FANCM (FA complementation group M; plus strand). Cytogenetic location: 14q21.2.
Variant type: single nucleotide variant.
Coding change: c.4872T>G on transcript NM_020937.4 (MANE Select); coding-DNA position 4872, T replaced by G.
Protein change: p.Cys1624Trp; replaces cysteine 1624 with tryptophan.
Molecular consequence: missense variant.
Genome position (GRCh38, 1-based): chr14:45,188,894, T>G. VCF-style: chr14-45188894-T-G. GRCh37 (hg19) VCF-style: chr14-45658097-T-G.
Other names: c.4794T>G, p.Cys1598Trp (NM_001308133.2); short protein forms C1598W, C1624W.
Identifiers: ClinVar variation 861949 (VCV000861949.11), dbSNP rs919256712, ClinGen allele CA259635707.